The following is an entry in ClinVar:

ClinVar aggregate classification (germline): Uncertain significance (1 of 4 stars; one submission).

Conditions:
Landau-Kleffner syndrome (FESD). Also called: EPILEPSY, FOCAL, WITH SPEECH DISORDER AND WITH OR WITHOUT MENTAL RETARDATION; APHASIA, ACQUIRED, WITH EPILEPSY. Identifiers: Orphanet 1945, Orphanet 725, Orphanet 98818, MedGen C0282512, MONDO:0009509, OMIM 245570.

Allele frequency attached by ClinVar (database versions not stated): TOPMed 0.00001.

Submission:

Labcorp Genetics (formerly Invitae), Labcorp
Classification: Uncertain significance for Landau-Kleffner syndrome. Last evaluated: 2024-10-31. Review status: criteria provided, single submitter. Criteria: Invitae Variant Classification Sherloc (09022015). Collection method: clinical testing. Allele origin: germline.
Comment: This sequence change replaces serine, which is neutral and polar, with arginine, which is basic and polar, at codon 287 of the GRIN2A protein (p.Ser287Arg). This variant is not present in population databases (gnomAD no frequency). This variant has not been reported in the literature in individuals affected with GRIN2A-related conditions. ClinVar contains an entry for this variant (Variation ID: 2840825). Invitae Evidence Modeling of protein sequence and biophysical properties (such as structural, functional, and spatial information, amino acid conservation, physicochemical variation, residue mobility, and thermodynamic stability) has been performed for this missense variant. However, the output from this modeling did not meet the statistical confidence thresholds required to predict the impact of this variant on GRIN2A protein function. In summary, the available evidence is currently insufficient to determine the role of this variant in disease. Therefore, it has been classified as a Variant of Uncertain Significance.

NM_001134407.3(GRIN2A):c.861C>A (p.Ser287Arg)

Gene: GRIN2A (glutamate ionotropic receptor NMDA type subunit 2A; minus strand). Cytogenetic location: 16p13.2.
Variant type: single nucleotide variant.
Coding change: c.861C>A on transcript NM_001134407.3 (MANE Select); coding-DNA position 861, C replaced by A.
Protein change: p.Ser287Arg; replaces serine 287 with arginine.
Molecular consequence: missense variant.
Genome position (GRCh38, 1-based): chr16:9,938,105, G>T on the plus strand (C>A on the coding strand, the complement: GRIN2A is on the minus strand). VCF-style: chr16-9938105-G-T. GRCh37 (hg19) VCF-style: chr16-10031962-G-T.
Other names: c.861C>A, p.Ser287Arg (NM_000833.5, NM_001134408.2); short protein forms S287R.
Identifiers: ClinVar variation 2840825 (VCV002840825.3), dbSNP rs1252446296, ClinGen allele CA394798334.
Genomic context (GRCh38, chr16:9,938,105, plus strand): 5'-CAGCATAGAAGATGCAGCGGTGGTTAGGATGCCAATGCCGTCCCTCACTCTCGCCTCCAG[G>T]CTGTAGTCCCAGTCATCGTAGGAGACAGAAATGAGTCCCGATGGAAACTCTTTTGGGATG-3'
Protein context (NP_001127879.1, residues 277-297): ISVSYDDWDY[Ser287Arg]LEARVRDGIG